The following is an entry in ClinVar:

NM_018474.6(KIZ):c.1852T>C (p.Ser618Pro)

Gene: KIZ (kizuna centrosomal protein; plus strand). Cytogenetic location: 20p11.23.
Variant type: single nucleotide variant.
Coding change: c.1852T>C on transcript NM_018474.6 (MANE Select); coding-DNA position 1852, T replaced by C.
Protein change: p.Ser618Pro; replaces serine 618 with proline.
Molecular consequence: missense variant.
Genome position (GRCh38, 1-based): chr20:21,232,802, T>C. VCF-style: chr20-21232802-T-C. GRCh37 (hg19) VCF-style: chr20-21213440-T-C.
Other names: c.1543T>C, p.Ser515Pro (NM_001163022.3); c.1453T>C, p.Ser485Pro (NM_001163023.3); c.1705T>C, p.Ser569Pro (NM_001276389.2); c.1798T>C, p.Ser600Pro (NM_001352434.2); c.1489T>C, p.Ser497Pro (NM_001352435.2); c.1510T>C, p.Ser504Pro (NM_001352436.2); short protein forms S485P, S497P, S504P, S515P, S569P, S600P, S618P.
Identifiers: ClinVar variation 1016349 (VCV001016349.4), dbSNP rs1221749591, ClinGen allele CA408495579.
Genomic context (GRCh38, chr20:21,232,802, plus strand): 5'-ATTGGCAGCGGTGCATTCGAGACAAAGACAGCTAACAAAATTGCTTCGGAAGCTAGTTTT[T>C]CATCTAGTGAAGGAAGTCCTTTGTCAAGGTAAAGTTGTGAAAGCCTTTCTGAATAGCAGC-3'
Protein context (NP_060944.3, residues 608-628): ANKIASEASF[Ser618Pro]SSEGSPLSRH

ClinVar aggregate classification (germline): Uncertain significance (1 of 4 stars; one submission).

Allele frequency attached by ClinVar (database versions not stated): gnomAD exomes below 0.00001; gnomAD 0.00003 and 0.00004; TOPMed 0.00004.
gnomAD v4.1: 7 of 1,571,312 alleles (0.00045%); highest among the groups gnomAD compares: African/African-American, 0.0094%; no homozygotes.

Submission:

Labcorp Genetics (formerly Invitae), Labcorp
Classification: Uncertain significance. Last evaluated: 2022-08-22. Review status: criteria provided, single submitter. Criteria: Invitae Variant Classification Sherloc (09022015). Collection method: clinical testing. Allele origin: germline.
Comment: This variant has not been reported in the literature in individuals affected with KIZ-related conditions. This variant is present in population databases (no rsID available, gnomAD 0.01%). This sequence change replaces serine, which is neutral and polar, with proline, which is neutral and non-polar, at codon 618 of the KIZ protein (p.Ser618Pro). ClinVar contains an entry for this variant (Variation ID: 1016349). In summary, the available evidence is currently insufficient to determine the role of this variant in disease. Therefore, it has been classified as a Variant of Uncertain Significance. Experimental studies and prediction algorithms are not available or were not evaluated, and the functional significance of this variant is currently unknown.